The following is an entry in ClinVar:

ClinVar aggregate classification (germline): Uncertain significance (1 of 4 stars; one submission).

Conditions:
Charcot-Marie-Tooth disease, type I (CMT1). Also called: Charcot-Marie-Tooth, Type 1; Charcot-Marie-Tooth disease type 1. Identifiers: Orphanet 65753, MedGen C0751036, MONDO:0019011.

Submission:

Labcorp Genetics (formerly Invitae), Labcorp
Classification: Uncertain significance for Charcot-Marie-Tooth disease, type I. Last evaluated: 2022-03-28. Review status: criteria provided, single submitter. Criteria: Invitae Variant Classification Sherloc (09022015). Collection method: clinical testing. Allele origin: germline.
Comment: This variant disrupts the p.Asp355 amino acid residue in EGR2. Other variant(s) that disrupt this residue have been determined to be pathogenic (PMID: 10502832, 27164712). This suggests that this residue is clinically significant, and that variants that disrupt this residue are likely to be disease-causing. In summary, the available evidence is currently insufficient to determine the role of this variant in disease. Therefore, it has been classified as a Variant of Uncertain Significance. Algorithms developed to predict the effect of missense changes on protein structure and function are either unavailable or do not agree on the potential impact of this missense change (SIFT: "Not Available"; PolyPhen-2: "Possibly Damaging"; Align-GVGD: "Not Available"). ClinVar contains an entry for this variant (Variation ID: 665515). This variant has not been reported in the literature in individuals affected with EGR2-related conditions. This variant is not present in population databases (gnomAD no frequency). This sequence change replaces aspartic acid, which is acidic and polar, with glutamic acid, which is acidic and polar, at codon 355 of the EGR2 protein (p.Asp355Glu).

Literature cited by the submitters: PubMed 10502832; PubMed 27164712.

NM_000399.5(EGR2):c.1065C>A (p.Asp355Glu)

Gene: EGR2 (early growth response 2; minus strand). Cytogenetic location: 10q21.3.
Variant type: single nucleotide variant.
Coding change: c.1065C>A on transcript NM_000399.5 (MANE Select); coding-DNA position 1065, C replaced by A.
Protein change: p.Asp355Glu; replaces aspartic acid 355 with glutamic acid.
Molecular consequence: missense variant.
Genome position (GRCh38, 1-based): chr10:62,813,573, G>T on the plus strand (C>A on the coding strand, the complement: EGR2 is on the minus strand). VCF-style: chr10-62813573-G-T. GRCh37 (hg19) VCF-style: chr10-64573333-G-T.
Other names: c.1065C>A, p.Asp355Glu (NM_001136177.3, NM_001136178.2); c.915C>A, p.Asp305Glu (NM_001136179.3, NM_001321037.2); short protein forms D355E, D305E.
Identifiers: ClinVar variation 665515 (VCV000665515.8), dbSNP rs1589080604, ClinGen allele CA377027882.
Genomic context (GRCh38, chr10:62,813,573, plus strand): 5'-GCAGATCCGACACTGGAAGGGCTTATGCCCAGTGTGGATTCGGATGTGCCGTGTCAGCTC[G>T]TCAGAGCGGGAGAACCGCCGGTCGCAGCCTTCTGCTGGGCACGGGTAGGGCCTCTCGTGC-3'
Protein context (NP_000390.2, residues 345-365): EGCDRRFSRS[Asp355Glu]ELTRHIRIHT